The following is an entry in ClinVar:

ClinVar aggregate classification (germline): Benign. Review status: criteria provided, single submitter (1 of 4 stars). 2 submissions from 1 submitter: Benign (2). Last evaluated 2018-01-12.

Conditions:
Lethal multiple pterygium syndrome (LMPS). Identifiers: Orphanet 33108, MedGen C1854678, MONDO:0009668, OMIM 253290.
Congenital myasthenic syndrome (CMS). Also called: Congenital Myasthenic Syndromes. Identifiers: Orphanet 590, MedGen C0751882, MeSH D020294, MONDO:0018940.

Allele frequency attached by ClinVar (database versions not stated): gnomAD exomes 0.00042 and 0.00083; ExAC 0.00043; 1000 Genomes Project 0.00319; gnomAD 0.00340 and 0.00369; TOPMed 0.00358; 1000 Genomes Project 30x 0.00375.
gnomAD v4.1: 631 of 433,856 alleles (0.15%); highest among the groups gnomAD compares: African/African-American, 1.2%; no homozygotes.

Submissions (2):

Illumina Laboratory Services, Illumina
Classification: Benign for Congenital myasthenic syndrome. Last evaluated: 2018-01-12. Review status: criteria provided, single submitter. Criteria: ICSL Variant Classification Criteria 13 December 2019. Collection method: clinical testing. Allele origin: germline.
Comment: This variant was observed in the ICSL laboratory as part of a predisposition screen in an ostensibly healthy population. It had not been previously curated by ICSL or reported in the Human Gene Mutation Database (HGMD: prior to June 1st, 2018), and was therefore a candidate for classification through an automated scoring system. Utilizing variant allele frequency, disease prevalence and penetrance estimates, and inheritance mode, an automated score was calculated to assess if this variant is too frequent to cause the disease. Based on the score and internal cut-off values, a variant classified as benign is not then subjected to further curation. The score for this variant resulted in a classification of benign for this disease.

Illumina Laboratory Services, Illumina
Classification: Benign for Lethal multiple pterygium syndrome. Last evaluated: 2018-01-12. Review status: criteria provided, single submitter. Criteria: ICSL Variant Classification Criteria 13 December 2019. Collection method: clinical testing. Allele origin: germline.
Comment: the same text as in the submission from Illumina Laboratory Services, Illumina above.

NM_000751.3(CHRND):c.*1240T>C

Gene: CHRND (cholinergic receptor nicotinic delta subunit; plus strand). Cytogenetic location: 2q37.1.
Variant type: single nucleotide variant.
Coding change: c.*1240T>C on transcript NM_000751.3 (MANE Select); 1240 bases downstream of the stop codon, T replaced by C.
Molecular consequence: 3 prime UTR variant.
Genome position (GRCh38, 1-based): chr2:232,536,552, T>C. VCF-style: chr2-232536552-T-C. GRCh37 (hg19) VCF-style: chr2-233401262-T-C.
Other names: c.*1240T>C (NM_001256657.2, NM_001311195.2, NM_001311196.2).
Identifiers: ClinVar variation 334996 (VCV000334996.5), dbSNP rs77032539, ClinGen allele CA2168456.
Genomic context (GRCh38, chr2:232,536,552, plus strand): 5'-TGTGGAAGTGGATCCTCTGCCCCAGTAGGGCCTTCGGATGAGATCACAGCCCAGTAGACA[T>C]CTTATGTGCAGCCCCATGAAAGTCCCTAAGCCAGAACCACCAGCTAAGTGACTCCTGGAT-3'